The following is an entry in ClinVar:

ClinVar aggregate classification (germline): Pathogenic. Review status: criteria provided, multiple submitters, no conflicts (2 of 4 stars). 3 submissions from 3 submitters: Pathogenic (3). Last evaluated 2024-01-08.

Conditions:
LAMA2-related muscular dystrophy (LAMA2-RD). Also called: Laminin alpha 2-related dystrophy. Identifiers: MedGen C5679788, MONDO:0100228.
Merosin deficient congenital muscular dystrophy (MDC1A). Also called: Congenital merosin-deficient muscular dystrophy 1A; Congenital Muscular Dystrophy Type 1A (MDC1A). Identifiers: Orphanet 258, MedGen C1263858, MONDO:0011925, OMIM 607855.

Submissions (3):

Labcorp Genetics (formerly Invitae), Labcorp
Classification: Pathogenic for LAMA2-related muscular dystrophy. Last evaluated: 2024-01-08. Review status: criteria provided, single submitter. Criteria: Invitae Variant Classification Sherloc (09022015). Collection method: clinical testing. Allele origin: germline.
Comment: This sequence change creates a premature translational stop signal (p.Ala2876Profs*27) in the LAMA2 gene. It is expected to result in an absent or disrupted protein product. Loss-of-function variants in LAMA2 are known to be pathogenic (PMID: 18700894, 32904964). This variant is not present in population databases (gnomAD no frequency). This premature translational stop signal has been observed in individual(s) with congenital muscular dystrophy (PMID: 31040037). In at least one individual the data is consistent with being in trans (on the opposite chromosome) from a pathogenic variant. This variant is also known as c.8625delA, p.Ala2876fs*27. ClinVar contains an entry for this variant (Variation ID: 2418943). For these reasons, this variant has been classified as Pathogenic.

Baylor Genetics
Classification: Pathogenic for Merosin deficient congenital muscular dystrophy. Last evaluated: 2023-11-15. Review status: criteria provided, single submitter. Criteria: ACMG Guidelines, 2015. Collection method: clinical testing. Allele origin: unknown.

Kariminejad - Najmabadi Pathology & Genetics Center
Classification: Pathogenic for Merosin deficient congenital muscular dystrophy. Last evaluated: 2023-03-08. Review status: criteria provided, single submitter. Criteria: ACMG Guidelines, 2015. Collection method: clinical testing. Allele origin: germline. Inheritance: Autosomal recessive inheritance. Affected: yes.

Literature cited by the submitters: PubMed 18700894 (cited by Labcorp Genetics (formerly Invitae), Labcorp); PubMed 32904964 (cited by Labcorp Genetics (formerly Invitae), Labcorp); PubMed 31040037 (cited by Labcorp Genetics (formerly Invitae), Labcorp).

NM_000426.4(LAMA2):c.8625del (p.Ala2876fs)

Gene: LAMA2 (laminin subunit alpha 2; plus strand). Cytogenetic location: 6q22.33.
Variant type: Deletion.
Coding change: c.8625del on transcript NM_000426.4 (MANE Select); coding-DNA position 8625, one base deleted (A; older notation c.8625delA).
Protein change: p.Ala2876fs; shifts the reading frame from alanine 2876.
Molecular consequence: frameshift variant.
Genome position (GRCh38, 1-based): chr6:129,505,277, A deleted; the last of 6 consecutive A bases (chr6:129,505,272-129,505,277); deleting any one gives the same sequence. VCF-style (leftmost placement, unchanged base first): chr6-129505271-CA-C. GRCh37 (hg19) VCF-style: chr6-129826416-CA-C.
Other names: c.8625delA (NM_000426.4); c.8613del, p.Ala2872fs (NM_001079823.2); short protein forms A2872fs, A2876fs.
Identifiers: ClinVar variation 2418943 (VCV002418943.9), dbSNP rs749162150, ClinGen allele CA451935778.
Genomic context (GRCh38, chr6:129,505,271, plus strand): 5'-GAGAAGTAAGCAAGAAGGAATTCTTTATGTAGATGGGGCTTCCAACAGAACCATCAGTCC[CA>C]AAAAAGCCGACATCCTGGATGTCGTGGGAATGCTGTATGTTGGTGGGTTACCCATCAACT-3'